The following is an entry in ClinVar:

NM_022124.6(CDH23):c.1888G>C (p.Glu630Gln)

Gene: CDH23 (cadherin related 23; plus strand). Cytogenetic location: 10q22.1.
Variant type: single nucleotide variant.
Coding change: c.1888G>C on transcript NM_022124.6 (MANE Select); coding-DNA position 1888, G replaced by C.
Protein change: p.Glu630Gln; replaces glutamic acid 630 with glutamine.
Molecular consequence: missense variant.
Genome position (GRCh38, 1-based): chr10:71,682,474, G>C. VCF-style: chr10-71682474-G-C. GRCh37 (hg19) VCF-style: chr10-73442231-G-C.
Other names: c.1888G>C, p.Glu630Gln (NM_001171930.2, NM_001171931.2); short protein forms E630Q.
Identifiers: ClinVar variation 1677091 (VCV001677091.1), dbSNP rs2132682527, ClinGen allele CA377132293.
Genomic context (GRCh38, chr10:71,682,474, plus strand): 5'-AGAGGGATCTGGCCTGTTCCTGTCATTGCAGTGATCAGCGTCAGTCGCCCCCTGGATTAT[G>C]AACAGATATCCAATGGGCTGATTTATCTGACGGTCATGGCCATGGATGCTGGCAACCCCC-3'
Protein context (NP_071407.4, residues 620-640): VISVSRPLDY[Glu630Gln]QISNGLIYLT

ClinVar aggregate classification (germline): Uncertain significance (1 of 4 stars; one submission).

Allele frequency attached by ClinVar (database versions not stated): gnomAD exomes below 0.00001.
gnomAD v4.1: 1 of 1,612,618 alleles (0.000062%); highest among the groups gnomAD compares: Admixed American, 0.0017%; no homozygotes.

Submission:

Women's Health and Genetics/Laboratory Corporation of America, LabCorp
Classification: Uncertain significance. Last evaluated: 2022-03-11. Review status: criteria provided, single submitter. Criteria: LabCorp Variant Classification Summary - May 2015. Collection method: clinical testing. Allele origin: germline.
Comment: Variant summary: CDH23 c.1888G>C (p.Glu630Gln) results in a conservative amino acid change in the encoded protein sequence. Four of five in-silico tools predict a damaging effect of the variant on protein function. The variant was absent in 246648 control chromosomes. c.1888G>C has been reported in the literature as a homozygous genotype in at-least one individual with Usher Syndrome type 1D (example, Sloan-Heggen_2016) who was also likely included in a subsequent study of individuals with cochlear implants who underwent testing on the identical genetic panel, namely OtoSCOPE (University of Iowa) (example, Yoon_2020). These data indicate that the variant may be associated with disease. To our knowledge, no experimental evidence demonstrating an impact on protein function has been reported. No clinical diagnostic laboratories have submitted clinical-significance assessments for this variant to ClinVar after 2014. Based on the evidence outlined above, the variant was classified as VUS-possibly pathogenic.

Literature cited by the submitters: PubMed 26969326; PubMed 32658404.